The following is an entry in ClinVar:

ClinVar aggregate classification (germline): Uncertain significance (1 of 4 stars; one submission).

Allele frequency attached by ClinVar (database versions not stated): gnomAD 0.00001; gnomAD exomes 0.00001; TOPMed 0.00001; ExAC 0.00002; ESP Exome Variant Server 0.00008.
gnomAD v4.1: 18 of 1,614,000 alleles (0.0011%); highest among the groups gnomAD compares: Non-Finnish European, 0.0013%; no homozygotes.

Submission:

Labcorp Genetics (formerly Invitae), Labcorp
Classification: Uncertain significance. Last evaluated: 2022-03-04. Review status: criteria provided, single submitter. Criteria: Invitae Variant Classification Sherloc (09022015). Collection method: clinical testing. Allele origin: germline.
Comment: This sequence change replaces arginine, which is basic and polar, with cysteine, which is neutral and slightly polar, at codon 227 of the TRAPPC9 protein (p.Arg227Cys). This variant is present in population databases (rs368666913, gnomAD 0.003%). This variant has not been reported in the literature in individuals affected with TRAPPC9-related conditions. Algorithms developed to predict the effect of missense changes on protein structure and function are either unavailable or do not agree on the potential impact of this missense change (SIFT: "Not Available"; PolyPhen-2: "Probably Damaging"; Align-GVGD: "Not Available"). In summary, the available evidence is currently insufficient to determine the role of this variant in disease. Therefore, it has been classified as a Variant of Uncertain Significance.

NM_001160372.4(TRAPPC9):c.385C>T (p.Arg129Cys)

Gene: TRAPPC9 (trafficking protein particle complex subunit 9; minus strand). Cytogenetic location: 8q24.3.
Variant type: single nucleotide variant.
Coding change: c.385C>T on transcript NM_001160372.4 (MANE Select); coding-DNA position 385, C replaced by T.
Protein change: p.Arg129Cys; replaces arginine 129 with cysteine.
Molecular consequence: missense variant. On other transcripts: non-coding transcript variant (1).
Genome position (GRCh38, 1-based): chr8:140,450,989, G>A on the plus strand (C>T on the coding strand, the complement: TRAPPC9 is on the minus strand). VCF-style: chr8-140450989-G-A. GRCh37 (hg19) VCF-style: chr8-141461088-G-A.
Other names: c.385C>T, p.Arg129Cys (NM_001321646.2, NM_001374682.1, NM_001374683.1 and 2 more transcripts); short protein forms R129C.
Identifiers: ClinVar variation 2169127 (VCV002169127.1), dbSNP rs368666913, ClinGen allele CA4893740.